The following is an entry in ClinVar:

NM_031483.7(ITCH):c.305T>C (p.Ile102Thr)

Gene: ITCH (itchy E3 ubiquitin protein ligase; plus strand). Cytogenetic location: 20q11.22.
Variant type: single nucleotide variant.
Coding change: c.305T>C on transcript NM_031483.7 (MANE Select); coding-DNA position 305, T replaced by C.
Protein change: p.Ile102Thr; replaces isoleucine 102 with threonine.
Molecular consequence: missense variant. On other transcripts: 5 prime UTR variant (1).
Genome position (GRCh38, 1-based): chr20:34,412,607, T>C. VCF-style: chr20-34412607-T-C. GRCh37 (hg19) VCF-style: chr20-33000413-T-C.
Other names: c.305T>C, p.Ile102Thr (NM_001257137.3, NM_001324197.2, NM_001324198.2); c.-26T>C (NM_001257138.3); short protein forms I102T.
Identifiers: ClinVar variation 1997130 (VCV001997130.4), dbSNP rs2515539855, ClinGen allele CA408661697.
Genomic context (GRCh38, chr20:34,412,607, plus strand): 5'-GTGTGTGGAGTCACCAGACACTGAAATCTGATGTTTTGTTGGGAACTGCTGCATTAGATA[T>C]TTATGAAACATTAAAGTCAAACAATATGAAACGTATGTATGTAAGACTAATAGAAATTGC-3'
Protein context (NP_113671.3, residues 92-112): DVLLGTAALD[Ile102Thr]YETLKSNNMK

ClinVar aggregate classification (germline): Uncertain significance (1 of 4 stars; one submission).

Conditions:
Syndromic multisystem autoimmune disease due to ITCH deficiency. Also called: AUTOIMMUNE DISEASE, MULTISYSTEM, WITH FACIAL DYSMORPHISM. Identifiers: Orphanet 228426, MedGen C3150649, MONDO:0013245, OMIM 613385.

Submission:

Labcorp Genetics (formerly Invitae), Labcorp
Classification: Uncertain significance for Syndromic multisystem autoimmune disease due to ITCH deficiency. Last evaluated: 2022-08-13. Review status: criteria provided, single submitter. Criteria: Invitae Variant Classification Sherloc (09022015). Collection method: clinical testing. Allele origin: germline.
Comment: Algorithms developed to predict the effect of missense changes on protein structure and function are either unavailable or do not agree on the potential impact of this missense change (SIFT: "Not Available"; PolyPhen-2: "Benign"; Align-GVGD: "Not Available"). In summary, the available evidence is currently insufficient to determine the role of this variant in disease. Therefore, it has been classified as a Variant of Uncertain Significance. This variant has not been reported in the literature in individuals affected with ITCH-related conditions. This variant is not present in population databases (gnomAD no frequency). This sequence change replaces isoleucine, which is neutral and non-polar, with threonine, which is neutral and polar, at codon 102 of the ITCH protein (p.Ile102Thr).